The following is an entry in ClinVar:

NM_032492.4(JAGN1):c.280C>G (p.Arg94Gly)

Gene: JAGN1 (jagunal homolog 1; plus strand). Cytogenetic location: 3p25.3.
Variant type: single nucleotide variant.
Coding change: c.280C>G on transcript NM_032492.4 (MANE Select); coding-DNA position 280, C replaced by G.
Protein change: p.Arg94Gly; replaces arginine 94 with glycine.
Molecular consequence: missense variant.
Genome position (GRCh38, 1-based): chr3:9,893,105, C>G. VCF-style: chr3-9893105-C-G. GRCh37 (hg19) VCF-style: chr3-9934789-C-G.
Other names: c.118C>G, p.Arg40Gly (NM_001363890.1); short protein forms R40G, R94G.
Identifiers: ClinVar variation 848863 (VCV000848863.5), dbSNP rs866176976, ClinGen allele CA351715422.

ClinVar aggregate classification (germline): Uncertain significance. Review status: criteria provided, multiple submitters, no conflicts (2 of 4 stars). 2 submissions from 2 submitters: Uncertain significance (2). Last evaluated 2024-08-28.

Conditions:
Inborn genetic diseases. Identifiers: MedGen C0950123, MeSH D030342.
Autosomal recessive severe congenital neutropenia due to JAGN1 deficiency. Also called: Severe congenital neutropenia 6, autosomal recessive. Identifiers: Orphanet 423384, MedGen C4014954, MONDO:0014456, OMIM 616022.

gnomAD v4.1: 8 of 1,614,092 alleles (0.0005%); highest among the groups gnomAD compares: Admixed American, 0.0033%; no homozygotes.

Submissions (2):

Ambry Genetics
Classification: Uncertain significance for Inborn genetic diseases. Last evaluated: 2024-08-28. Review status: criteria provided, single submitter. Criteria: Ambry Variant Classification Scheme 2023. Collection method: clinical testing. Allele origin: germline.

Labcorp Genetics (formerly Invitae), Labcorp
Classification: Uncertain significance for Autosomal recessive severe congenital neutropenia due to JAGN1 deficiency. Last evaluated: 2022-06-22. Review status: criteria provided, single submitter. Criteria: Invitae Variant Classification Sherloc (09022015). Collection method: clinical testing. Allele origin: germline.
Comment: This sequence change replaces arginine, which is basic and polar, with glycine, which is neutral and non-polar, at codon 94 of the JAGN1 protein (p.Arg94Gly). This variant is not present in population databases (gnomAD no frequency). This variant has not been reported in the literature in individuals affected with JAGN1-related conditions. ClinVar contains an entry for this variant (Variation ID: 848863). Algorithms developed to predict the effect of missense changes on protein structure and function are either unavailable or do not agree on the potential impact of this missense change (SIFT: "Tolerated"; PolyPhen-2: "Probably Damaging"; Align-GVGD: "Class C0"). In summary, the available evidence is currently insufficient to determine the role of this variant in disease. Therefore, it has been classified as a Variant of Uncertain Significance.